The following is an entry in ClinVar:

NM_002474.3(MYH11):c.886A>G (p.Arg296Gly)

Gene: MYH11 (myosin heavy chain 11; minus strand). Cytogenetic location: 16p13.11.
Variant type: single nucleotide variant.
Coding change: c.886A>G on transcript NM_002474.3 (MANE Select); coding-DNA position 886, A replaced by G.
Protein change: p.Arg296Gly; replaces arginine 296 with glycine.
Molecular consequence: missense variant.
Genome position (GRCh38, 1-based): chr16:15,776,081, T>C on the plus strand (A>G on the coding strand, the complement: MYH11 is on the minus strand). VCF-style: chr16-15776081-T-C. GRCh37 (hg19) VCF-style: chr16-15869938-T-C.
Other names: c.907A>G, p.Arg303Gly (NM_001040113.2, NM_001040114.2); c.886A>G, p.Arg296Gly (NM_022844.3); c.886A>G (NM_002474.2); short protein forms R296G, R303G.
Identifiers: ClinVar variation 919655 (VCV000919655.9), dbSNP rs2042214133, ClinGen allele CA394869360.

ClinVar aggregate classification (germline): Uncertain significance. Review status: criteria provided, multiple submitters, no conflicts (2 of 4 stars). 5 submissions from 5 submitters: Uncertain significance (5). Last evaluated 2026-07-01.

Conditions:
Familial thoracic aortic aneurysm and aortic dissection (TAAD). Also called: Thoracic aortic aneurysms and dissections. Identifiers: Orphanet 91387, MedGen C4707243, MONDO:0019625.

Submissions (5):

Ambry Genetics
Classification: Uncertain significance for Familial thoracic aortic aneurysm and aortic dissection. Last evaluated: 2026-07-01. Review status: criteria provided, single submitter. Criteria: Ambry Variant Classification Scheme 2023. Collection method: clinical testing. Allele origin: germline.
Comment: The p.R296G variant (also known as c.886A>G), located in coding exon 7 of the MYH11 gene, results from an A to G substitution at nucleotide position 886. The arginine at codon 296 is replaced by glycine, an amino acid with dissimilar properties. This amino acid position is conserved. In addition, the in silico prediction for this alteration is inconclusive. Based on the available evidence, the clinical significance of this variant remains unclear.

GeneDx
Classification: Uncertain significance. Last evaluated: 2025-07-29. Review status: criteria provided, single submitter. Criteria: GeneDx Variant Classification Process June 2021. Collection method: clinical testing. Allele origin: germline. Affected: yes.
Comment: Not observed at significant frequency in large population cohorts (gnomAD); In silico analysis supports that this missense variant has a deleterious effect on protein structure/function; Has not been previously published as pathogenic or benign to our knowledge

Color Diagnostics, LLC DBA Color Health
Classification: Uncertain significance for Familial thoracic aortic aneurysm and aortic dissection. Last evaluated: 2024-12-10. Review status: criteria provided, single submitter. Criteria: ACMG Guidelines, 2015. Collection method: clinical testing. Allele origin: germline.
Comment: This missense variant replaces arginine with glycine at codon 303 of the MYH11 protein. Computational prediction suggests that this variant may not impact protein structure and function. To our knowledge, functional studies have not been reported for this variant. This variant has not been reported in individuals affected with MYH11-related disorders in the literature. This variant has not been identified in the general population by the Genome Aggregation Database (gnomAD). The available evidence is insufficient to determine the role of this variant in disease conclusively. Therefore, this variant is classified as a Variant of Uncertain Significance.

Women's Health and Genetics/Laboratory Corporation of America, LabCorp
Classification: Uncertain significance. Last evaluated: 2023-07-21. Review status: criteria provided, single submitter. Criteria: LabCorp Variant Classification Summary - May 2015. Collection method: clinical testing. Allele origin: germline.

All of Us Research Program, National Institutes of Health
Classification: Uncertain significance for Familial thoracic aortic aneurysm and aortic dissection. Last evaluated: 2023-06-28. Review status: criteria provided, single submitter. Criteria: ACMG Guidelines, 2015. Collection method: clinical testing. Allele origin: germline. Inheritance: Autosomal dominant inheritance. Observed: 1 variant allele, 1 heterozygote.
Comment: Variant of Uncertain Significance due to insufficient evidence: This missense variant is located in the myosin motor domain of the MYH11 protein. Computational prediction tools and conservation analyses are inconclusive regarding the impact of this variant on the protein function. Computational splicing tools suggest that this variant may not impact RNA splicing. To our knowledge, functional assays have not been performed for this variant nor has this variant been reported in individuals affected with cardiovascular disorders in the literature. This variant is rare in the general population and has been identified in 0/277264 chromosomes by the Genome Aggregation Database (gnomAD). Available evidence is insufficient to determine the pathogenicity of this variant conclusively.

This study involves interpretation of variants in research participants for the purpose of population health screening. Participant phenotype was not available at the time of variant classification. Additional details can be found in publication PMID: 35346344, PMCID: PMC8962531